The following is an entry in ClinVar:

ClinVar aggregate classification (germline): Benign. Review status: criteria provided, multiple submitters, no conflicts (2 of 4 stars). 2 submissions from 2 submitters: Benign (2). Last evaluated 2018-06-14.

Allele frequency attached by ClinVar (database versions not stated): gnomAD 0.40906 and 0.41705; TOPMed 0.41763; 1000 Genomes Project 30x 0.50203; 1000 Genomes Project 0.51118.
gnomAD v4.1: 646,981 of 1,579,480 alleles (41%); highest among the groups gnomAD compares: East Asian, 75%; 137,471 homozygotes.

Submissions (2):

GeneDx
Classification: Benign. Last evaluated: 2018-06-14. Review status: criteria provided, single submitter. Criteria: GeneDx Variant Classification (06012015). Collection method: clinical testing. Allele origin: germline. Affected: yes.
Comment: This variant is considered likely benign or benign based on one or more of the following criteria: it is a conservative change, it occurs at a poorly conserved position in the protein, it is predicted to be benign by multiple in silico algorithms, and/or has population frequency not consistent with disease.

Breakthrough Genomics
Classification: Benign. Review status: criteria provided, single submitter. Criteria: ACMG Guidelines, 2015. Collection method: not provided. Allele origin: germline. Inheritance: Autosomal dominant inheritance. Affected: yes.

NM_014000.3(VCL):c.784-60G>A

Gene: VCL (vinculin; plus strand). Cytogenetic location: 10q22.2.
Variant type: single nucleotide variant.
Coding change: c.784-60G>A on transcript NM_014000.3 (MANE Select); 60 bases into the intron before coding-DNA position 784, G replaced by A.
Molecular consequence: intron variant.
Genome position (GRCh38, 1-based): chr10:74,082,394, G>A. VCF-style: chr10-74082394-G-A. GRCh37 (hg19) VCF-style: chr10-75842152-G-A.
Other names: c.784-60G>A (NM_003373.4).
Identifiers: ClinVar variation 671287 (VCV000671287.2), dbSNP rs2270548, ClinGen allele CA13332949.
Genomic context (GRCh38, chr10:74,082,394, plus strand): 5'-TTCGTAGGACTGACTACCTTAGCTATGTATGTTAATGCTGTAACTTCTTCTCTGTCTTAC[G>A]TTCTATCATGGTATCTCAACTTTTGCAAAGAAAATAATGGTGGGATTTCTTCCCAAAAGG-3'